The following is an entry in ClinVar:

ClinVar aggregate classification (germline): Benign/Likely benign. Review status: criteria provided, multiple submitters, no conflicts (2 of 4 stars). 3 submissions from 3 submitters: Benign (1); Likely benign (2). Last evaluated 2024-07-13.

Conditions:
BAP1-related tumor predisposition syndrome (TPDS1). Also called: TUMOR PREDISPOSITION SYNDROME 1; COMMON Syndrome; Tumor susceptibility linked to germline BAP1 mutations; BAP1 tumor predisposition syndrome. Identifiers: Orphanet 289539, MedGen C3280492, MONDO:0013692, OMIM 614327.
Hereditary cancer-predisposing syndrome. Also called: Neoplastic Syndromes, Hereditary; Tumor predisposition; Hereditary neoplastic syndrome; Hereditary Cancer Syndrome. Identifiers: Orphanet 140162, MedGen C0027672, MeSH D009386, MONDO:0015356.

Allele frequency attached by ClinVar (database versions not stated): gnomAD 0.00001.
gnomAD v4.1: 1 of 1,614,046 alleles (0.000062%); highest among the groups gnomAD compares: Admixed American, 0.0017%; no homozygotes.

Submissions (3):

Labcorp Genetics (formerly Invitae), Labcorp
Classification: Likely benign for BAP1-related tumor predisposition syndrome. Last evaluated: 2024-07-13. Review status: criteria provided, single submitter. Criteria: Invitae Variant Classification Sherloc (09022015). Collection method: clinical testing. Allele origin: germline.

Myriad Genetics, Inc.
Classification: Benign for BAP1-related tumor predisposition syndrome. Last evaluated: 2024-07-12. Review status: criteria provided, single submitter. Criteria: Myriad Autosomal Dominant, Autosomal Recessive and X-Linked Classification Criteria (2023). Collection method: clinical testing. Allele origin: unknown.
Comment: This variant is considered benign. This variant is a silent/synonymous amino acid change and it is not expected to impact splicing.

Ambry Genetics
Classification: Likely benign for Hereditary cancer-predisposing syndrome. Last evaluated: 2018-06-04. Review status: criteria provided, single submitter. Criteria: Ambry Variant Classification Scheme 2023. Collection method: clinical testing. Allele origin: germline.

NM_004656.4(BAP1):c.459T>A (p.Pro153=)

Gene: BAP1 (BRCA1 associated deubiquitinase 1; minus strand). Cytogenetic location: 3p21.1.
Variant type: single nucleotide variant.
Coding change: c.459T>A on transcript NM_004656.4 (MANE Select); coding-DNA position 459, T replaced by A.
Protein change: p.Pro153=; no amino-acid change (proline 153 retained).
Molecular consequence: synonymous variant.
Genome position (GRCh38, 1-based): chr3:52,407,295, A>T on the plus strand (T>A on the coding strand, the complement: BAP1 is on the minus strand). VCF-style: chr3-52407295-A-T. GRCh37 (hg19) VCF-style: chr3-52441311-A-T.
Identifiers: ClinVar variation 825031 (VCV000825031.10), dbSNP rs536205982, ClinGen allele CA433777285.